The following is an entry in ClinVar:

NM_001374736.1(DST):c.18329G>A (p.Cys6110Tyr)

Gene: DST (dystonin; minus strand). Cytogenetic location: 6p12.1.
Variant type: single nucleotide variant.
Coding change: c.18329G>A on transcript NM_001374736.1 (MANE Select); coding-DNA position 18329, G replaced by A.
Protein change: p.Cys6110Tyr; replaces cysteine 6110 with tyrosine.
Molecular consequence: missense variant.
Genome position (GRCh38, 1-based): chr6:56,517,226, C>T on the plus strand (G>A on the coding strand, the complement: DST is on the minus strand). VCF-style: chr6-56517226-C-T. GRCh37 (hg19) VCF-style: chr6-56382024-C-T.
Other names: c.11972G>A, p.Cys3991Tyr (NM_001144769.5); c.11558G>A, p.Cys3853Tyr (NM_001144770.2); c.18329G>A, p.Cys6110Tyr (NM_001374722.1); c.17369G>A, p.Cys5790Tyr (NM_001374729.1); c.11111G>A, p.Cys3704Tyr (NM_001374730.1); c.18356G>A, p.Cys6119Tyr (NM_001374734.1); c.11438G>A, p.Cys3813Tyr (NM_001386100.1, NM_183380.4); c.10460G>A, p.Cys3487Tyr (NM_015548.5); short protein forms C3487Y, C3704Y, C3813Y, C3853Y, C3991Y, C5790Y, C6110Y, C6119Y.
Identifiers: ClinVar variation 2656655 (VCV002656655.24), dbSNP rs2096612055, ClinGen allele CA364503990.

ClinVar aggregate classification (germline): Uncertain significance (1 of 4 stars; one submission).

Allele frequency attached by ClinVar (database versions not stated): gnomAD exomes below 0.00001; TOPMed below 0.00001.
gnomAD v4.1: 1 of 1,613,058 alleles (0.000062%); highest among the groups gnomAD compares: Admixed American, 0.0017%; no homozygotes.

Submission:

CeGaT Center for Human Genetics Tuebingen
Classification: Uncertain significance. Last evaluated: 2022-09-01. Review status: criteria provided, single submitter. Criteria: CeGaT Center For Human Genetics Tuebingen Variant Classification Criteria Version 2. Collection method: clinical testing. Allele origin: germline. Affected: yes. Observed: 1 variant allele.
Comment: DST: PM2, BP4